The following is an entry in ClinVar:

ClinVar aggregate classification (germline): Conflicting classifications of pathogenicity. Review status: criteria provided, conflicting classifications (1 of 4 stars). 3 submissions from 3 submitters: Uncertain significance (1); Likely benign (2). Last evaluated 2025-12-19.

Conditions:
ADGRG1-related disorder. Also called: ADGRG1-related condition.
Bilateral frontoparietal polymicrogyria. Also called: CORTICAL DYSPLASIA, COMPLEX, WITH OTHER BRAIN MALFORMATIONS 14A (BILATERAL FRONTOPARIETAL); CEREBELLAR ATAXIA WITH NEURONAL MIGRATION DEFECT. Identifiers: Orphanet 101070, MedGen C1847352, MONDO:0011738, OMIM 606854.

Allele frequency attached by ClinVar (database versions not stated): gnomAD 0.00001; TOPMed 0.00001.
gnomAD v4.1: 25 of 1,613,832 alleles (0.0015%); highest among the groups gnomAD compares: South Asian, 0.0022%; no homozygotes.

Submissions (3):

PreventionGenetics, part of Exact Sciences
Classification: Likely benign for ADGRG1-related condition. Last evaluated: 2025-12-19. Review status: criteria provided, single submitter. Criteria: ACMG Guidelines, 2015. Collection method: clinical testing. Allele origin: germline.
Comment: This variant is classified as likely benign based on ACMG/AMP sequence variant interpretation guidelines (Richards et al. 2015 PMID: 25741868, with internal and published modifications).

Labcorp Genetics (formerly Invitae), Labcorp
Classification: Likely benign. Last evaluated: 2024-03-10. Review status: criteria provided, single submitter. Criteria: Invitae Variant Classification Sherloc (09022015). Collection method: clinical testing. Allele origin: germline.

Illumina Laboratory Services, Illumina
Classification: Uncertain significance for Bilateral frontoparietal polymicrogyria. Last evaluated: 2018-01-12. Review status: criteria provided, single submitter. Criteria: ICSL Variant Classification Criteria 13 December 2019. Collection method: clinical testing. Allele origin: germline.

NM_201525.4(ADGRG1):c.708G>A (p.Thr236=)

Gene: ADGRG1 (adhesion G protein-coupled receptor G1; plus strand). Cytogenetic location: 16q21.
Variant type: single nucleotide variant.
Coding change: c.708G>A on transcript NM_201525.4 (MANE Select); coding-DNA position 708, G replaced by A.
Protein change: p.Thr236=; no amino-acid change (threonine 236 retained).
Molecular consequence: synonymous variant.
Genome position (GRCh38, 1-based): chr16:57,654,073, G>A. VCF-style: chr16-57654073-G-A. GRCh37 (hg19) VCF-style: chr16-57687985-G-A.
Other names: c.708G>A (NM_005682.6); c.708G>A, p.Thr236= (NM_001145770.3, NM_001145771.3, NM_001145772.3 and 16 more transcripts); c.723G>A, p.Thr241= (NM_001145773.3, NM_001370433.1); c.198G>A, p.Thr66= (NM_001290142.2); c.183G>A, p.Thr61= (NM_001290143.2, NM_001290144.2, NM_001370451.1 and 2 more transcripts); c.552G>A, p.Thr184= (NM_001370442.1).
Identifiers: ClinVar variation 886785 (VCV000886785.13), dbSNP rs752439023, ClinGen allele CA8078486.